The following is an entry in ClinVar:

ClinVar aggregate classification (germline): Likely benign (0 of 4 stars; one submission).

Conditions:
ZFHX2-related disorder. Also called: ZFHX2-related condition.

Allele frequency attached by ClinVar (database versions not stated): gnomAD 0.00003; gnomAD exomes 0.00006; TOPMed 0.00016.
gnomAD v4.1: 91 of 1,535,906 alleles (0.0059%); highest among the groups gnomAD compares: Admixed American, 0.17%; no homozygotes.

Submission:

PreventionGenetics, part of Exact Sciences
Classification: Likely benign for ZFHX2-related condition. Last evaluated: 2019-12-02. Review status: no assertion criteria provided. Collection method: clinical testing. Allele origin: germline.
Comment: This variant is classified as likely benign based on ACMG/AMP sequence variant interpretation guidelines (Richards et al. 2015 PMID: 25741868, with internal and published modifications).

NM_033400.3(ZFHX2):c.3435C>G (p.Thr1145=)

Genes: THTPA (thiamine triphosphatase; plus strand), ZFHX2 (zinc finger homeobox 2; minus strand). Cytogenetic location: 14q11.2.
Variant type: single nucleotide variant.
Coding change: c.3435C>G on transcript NM_033400.3 (MANE Select); coding-DNA position 3435, C replaced by G.
Protein change: p.Thr1145=; no amino-acid change (threonine 1145 retained).
Molecular consequence: synonymous variant.
Genome position (GRCh38, 1-based): chr14:23,526,507, G>C on the plus strand (C>G on the coding strand, the complement: ZFHX2 is on the minus strand). VCF-style: chr14-23526507-G-C. GRCh37 (hg19) VCF-style: chr14-23995716-G-C.
Identifiers: ClinVar variation 3048463 (VCV003048463.2), dbSNP rs961112736, ClinGen allele CA257794227.